The following is an entry in ClinVar:

NM_020458.4(TTC7A):c.1510+2T>C

Gene: TTC7A (tetratricopeptide repeat domain 7A; plus strand). Cytogenetic location: 2p21.
Variant type: single nucleotide variant.
Coding change: c.1510+2T>C on transcript NM_020458.4 (MANE Select); the canonical splice donor site of the intron after coding-DNA position 1510, T replaced by C.
Molecular consequence: splice donor variant.
Genome position (GRCh38, 1-based): chr2:47,021,981, T>C. VCF-style: chr2-47021981-T-C. GRCh37 (hg19) VCF-style: chr2-47249120-T-C.
Other names: c.1408+2T>C (NM_001288953.2); c.1510+2T>C (NM_001288951.2); c.448+2T>C (NM_001288955.2).
Identifiers: ClinVar variation 1975384 (VCV001975384.5), dbSNP rs1232054387, ClinGen allele CA346716165.

ClinVar aggregate classification (germline): Likely pathogenic (1 of 4 stars; one submission).

Conditions:
Multiple gastrointestinal atresias. Also called: Multiple intestinal atresia; FAMILIAL INTESTINAL POLYATRESIA SYNDROME. Identifiers: Orphanet 2300, MedGen C0220744, MONDO:0009465.

Allele frequency attached by ClinVar (database versions not stated): gnomAD exomes below 0.00001; TOPMed 0.00001.
gnomAD v4.1: 2 of 1,606,828 alleles (0.00012%); highest among the groups gnomAD compares: Admixed American, 0.0033%; no homozygotes.

Submission:

Labcorp Genetics (formerly Invitae), Labcorp
Classification: Likely pathogenic for Multiple gastrointestinal atresias. Last evaluated: 2022-08-10. Review status: criteria provided, single submitter. Criteria: Invitae Variant Classification Sherloc (09022015). Collection method: clinical testing. Allele origin: germline.
Comment: This sequence change affects a donor splice site in intron 12 of the TTC7A gene. It is expected to disrupt RNA splicing. Variants that disrupt the donor or acceptor splice site typically lead to a loss of protein function (PMID: 16199547), and loss-of-function variants in TTC7A are known to be pathogenic (PMID: 23830146, 24292712). This variant is present in population databases (no rsID available, gnomAD 0.003%). This variant has not been reported in the literature in individuals affected with TTC7A-related conditions. Algorithms developed to predict the effect of sequence changes on RNA splicing suggest that this variant may disrupt the consensus splice site. In summary, the currently available evidence indicates that the variant is pathogenic, but additional data are needed to prove that conclusively. Therefore, this variant has been classified as Likely Pathogenic.

Literature cited by the submitters: PubMed 16199547; PubMed 23830146; PubMed 24292712.